The following is an entry in ClinVar:

NM_003282.4(TNNI2):c.438G>A (p.Lys146=)

Gene: TNNI2 (troponin I2, fast skeletal type; plus strand). Cytogenetic location: 11p15.5.
Variant type: single nucleotide variant.
Coding change: c.438G>A on transcript NM_003282.4 (MANE Select); coding-DNA position 438, G replaced by A.
Protein change: p.Lys146=; no amino-acid change (lysine 146 retained).
Molecular consequence: synonymous variant.
Genome position (GRCh38, 1-based): chr11:1,841,192, G>A. VCF-style: chr11-1841192-G-A. GRCh37 (hg19) VCF-style: chr11-1862422-G-A.
Other names: c.438G>A, p.Lys146= (NM_001145829.2, NM_001145841.2).
Identifiers: ClinVar variation 703308 (VCV000703308.7), dbSNP rs147658888, ClinGen allele CA5815264.

ClinVar aggregate classification (germline): Benign. Review status: criteria provided, multiple submitters, no conflicts (2 of 4 stars). 4 submissions from 4 submitters: Benign (3). 1 of the submissions does not count toward it. Last evaluated 2019-09-23.

Conditions:
TNNI2-related disorder. Also called: TNNI2-related condition.

Allele frequency attached by ClinVar (database versions not stated): gnomAD exomes 0.00019 and 0.00057; TOPMed 0.00219; gnomAD 0.00230 and 0.00208; 1000 Genomes Project 30x 0.00125; ESP Exome Variant Server 0.00154; ExAC 0.00066; 1000 Genomes Project 0.00120.
gnomAD v4.1: 605 of 1,612,798 alleles (0.038%); highest among the groups gnomAD compares: African/African-American, 0.72%; 4 homozygotes.

Submissions (4):

GeneDx
Classification: Benign. Last evaluated: 2019-09-23. Review status: criteria provided, single submitter. Criteria: GeneDx Variant Classification Process June 2021. Collection method: clinical testing. Allele origin: germline. Affected: yes.

Labcorp Genetics (formerly Invitae), Labcorp
Classification: Benign. Last evaluated: 2017-12-28. Review status: criteria provided, single submitter. Criteria: Invitae Variant Classification Sherloc (09022015). Collection method: clinical testing. Allele origin: germline.

Breakthrough Genomics
Classification: Benign. Review status: criteria provided, single submitter. Criteria: ACMG Guidelines, 2015. Collection method: not provided. Allele origin: germline. Inheritance: Autosomal dominant inheritance. Affected: yes.

PreventionGenetics, part of Exact Sciences
Classification: Benign for TNNI2-related condition. Last evaluated: 2019-07-03. Review status: no assertion criteria provided. Collection method: clinical testing. Allele origin: germline. Not counted in ClinVar's aggregate classification.
Comment: This variant is classified as benign based on ACMG/AMP sequence variant interpretation guidelines (Richards et al. 2015 PMID: 25741868, with internal and published modifications).